The following is an entry in ClinVar:

ClinVar aggregate classification (germline): Uncertain significance. Review status: criteria provided, multiple submitters, no conflicts (2 of 4 stars). 2 submissions from 2 submitters: Uncertain significance (2). Last evaluated 2024-10-16.

Conditions:
Early-infantile DEE. Also called: Early infantile epileptic encephalopathy; Ohtahara syndrome; Early infantile epileptic encephalopathy with suppression bursts. Identifiers: Orphanet 1934, MedGen C0393706, MONDO:0800491.

gnomAD v4.1: 4 of 1,607,420 alleles (0.00025%); highest among the groups gnomAD compares: Non-Finnish European, 0.00034%; no homozygotes.

Submissions (2):

Labcorp Genetics (formerly Invitae), Labcorp
Classification: Uncertain significance for Early-infantile DEE. Last evaluated: 2024-10-16. Review status: criteria provided, single submitter. Criteria: Invitae Variant Classification Sherloc (09022015). Collection method: clinical testing. Allele origin: germline.
Comment: This sequence change replaces arginine, which is basic and polar, with serine, which is neutral and polar, at codon 492 of the SCN8A protein (p.Arg492Ser). The frequency data for this variant in the population databases is considered unreliable, as metrics indicate poor data quality at this position in the gnomAD database. This variant has not been reported in the literature in individuals affected with SCN8A-related conditions. ClinVar contains an entry for this variant (Variation ID: 1706670). Invitae Evidence Modeling of protein sequence and biophysical properties (such as structural, functional, and spatial information, amino acid conservation, physicochemical variation, residue mobility, and thermodynamic stability) has been performed for this missense variant. However, the output from this modeling did not meet the statistical confidence thresholds required to predict the impact of this variant on SCN8A protein function. In summary, the available evidence is currently insufficient to determine the role of this variant in disease. Therefore, it has been classified as a Variant of Uncertain Significance.

GeneDx
Classification: Uncertain significance. Last evaluated: 2022-03-21. Review status: criteria provided, single submitter. Criteria: GeneDx Variant Classification Process June 2021. Collection method: clinical testing. Allele origin: germline. Affected: yes.
Comment: Has not been previously published as pathogenic or benign to our knowledge; In silico analysis supports that this missense variant has a deleterious effect on protein structure/function; This substitution is predicted to be within the cytoplasmic loop between the first and second homologous domains; Missense variants in this gene are often considered pathogenic (HGMD)

NM_001330260.2(SCN8A):c.1474C>A (p.Arg492Ser)

Gene: SCN8A (sodium voltage-gated channel alpha subunit 8; plus strand). Cytogenetic location: 12q13.13.
Variant type: single nucleotide variant.
Coding change: c.1474C>A on transcript NM_001330260.2 (MANE Select); coding-DNA position 1474, C replaced by A.
Protein change: p.Arg492Ser; replaces arginine 492 with serine.
Molecular consequence: missense variant.
Genome position (GRCh38, 1-based): chr12:51,706,554, C>A. VCF-style: chr12-51706554-C-A. GRCh37 (hg19) VCF-style: chr12-52100338-C-A.
Other names: c.1474C>A, p.Arg492Ser (NM_001177984.3, NM_001369788.1, NM_014191.4); short protein forms R492S.
Identifiers: ClinVar variation 1706670 (VCV001706670.7), dbSNP rs576362165, ClinGen allele CA385228879.